The following is an entry in ClinVar:

NM_014675.5(CROCC):c.5337G>C (p.Glu1779Asp)

Gene: CROCC (ciliary rootlet coiled-coil, rootletin; plus strand). Cytogenetic location: 1p36.13.
Variant type: single nucleotide variant.
Coding change: c.5337G>C on transcript NM_014675.5 (MANE Select); coding-DNA position 5337, G replaced by C.
Protein change: p.Glu1779Asp; replaces glutamic acid 1779 with aspartic acid.
Molecular consequence: missense variant.
Genome position (GRCh38, 1-based): chr1:16,969,820, G>C. VCF-style: chr1-16969820-G-C. GRCh37 (hg19) VCF-style: chr1-17296315-G-C.
Other names: short protein forms E1779D.
Identifiers: ClinVar variation 2638383 (VCV002638383.24), dbSNP rs146260866, ClinGen allele CA635901.
Genomic context (GRCh38, chr1:16,969,820, plus strand): 5'-GGCACCATCAGCCCCTGTCCCCCAGGAACGGCTGGATGCCGCCCGGCAGGCATTATCTGA[G>C]GCACGGAAGCAGAGCAGCTCCCTGGGCGAGCAGGTGCAGACGTTGCGAGGCGAGGTGGCT-3'
Protein context (NP_055490.4, residues 1769-1789): RLDAARQALS[Glu1779Asp]ARKQSSSLGE

ClinVar aggregate classification (germline): Benign (1 of 4 stars; one submission).

Allele frequency attached by ClinVar (database versions not stated): ESP Exome Variant Server 0.00085; 1000 Genomes Project 0.00100; ExAC 0.00106; gnomAD exomes 0.00139; TOPMed 0.00139; 1000 Genomes Project 30x 0.00141; gnomAD 0.00144.
gnomAD v4.1: 2,241 of 1,613,366 alleles (0.14%); highest among the groups gnomAD compares: Admixed American, 0.19%; 1 homozygote.

Submission:

CeGaT Center for Human Genetics Tuebingen
Classification: Benign. Last evaluated: 2024-09-01. Review status: criteria provided, single submitter. Criteria: CeGaT Center For Human Genetics Tuebingen Variant Classification Criteria Version 2. Collection method: clinical testing. Allele origin: germline. Affected: yes. Observed: 2 variant alleles.
Comment: CROCC: BS1, BS2